The following is an entry in ClinVar:

ClinVar aggregate classification (germline): Uncertain significance (1 of 4 stars; one submission).

gnomAD v4.1: 9 of 1,209,471 alleles (0.00074%); highest among the groups gnomAD compares: Non-Finnish European, 0.00089%; no homozygotes.

Submission:

Labcorp Genetics (formerly Invitae), Labcorp
Classification: Uncertain significance. Last evaluated: 2025-04-20. Review status: criteria provided, single submitter. Criteria: Invitae Variant Classification Sherloc (09022015). Collection method: clinical testing. Allele origin: germline.
Comment: This sequence change replaces valine, which is neutral and non-polar, with isoleucine, which is neutral and non-polar, at codon 523 of the FRMD7 protein (p.Val523Ile). The frequency data for this variant in the population databases is considered unreliable, as metrics indicate poor data quality at this position in the gnomAD database. This variant has not been reported in the literature in individuals affected with FRMD7-related conditions. An algorithm developed to predict the effect of missense changes on protein structure and function outputs the following: PolyPhen-2: "Benign". The isoleucine amino acid residue is found in multiple mammalian species, which suggests that this missense change does not adversely affect protein function. In summary, the available evidence is currently insufficient to determine the role of this variant in disease. Therefore, it has been classified as a Variant of Uncertain Significance.

NM_194277.3(FRMD7):c.1567G>A (p.Val523Ile)

Gene: FRMD7 (FERM domain containing 7; minus strand). Cytogenetic location: Xq26.2.
Variant type: single nucleotide variant.
Coding change: c.1567G>A on transcript NM_194277.3 (MANE Select); coding-DNA position 1567, G replaced by A.
Protein change: p.Val523Ile; replaces valine 523 with isoleucine.
Molecular consequence: missense variant.
Genome position (GRCh38, 1-based): chrX:132,078,450, C>T on the plus strand (G>A on the coding strand, the complement: FRMD7 is on the minus strand). VCF-style: chrX-132078450-C-T. GRCh37 (hg19) VCF-style: chrX-131212478-C-T.
Other names: c.1522G>A, p.Val508Ile (NM_001306193.2); short protein forms V523I, V508I.
Identifiers: ClinVar variation 4717984 (VCV004717984.1).